The following is an entry in ClinVar:

ClinVar aggregate classification (germline): Uncertain significance (1 of 4 stars; one submission).

Conditions:
TUBGCP2-related disorder. Also called: TUBGCP2-related condition.

gnomAD v4.1: 25 of 1,606,642 alleles (0.0016%); highest among the groups gnomAD compares: Admixed American, 0.012%; no homozygotes.

Submission:

PreventionGenetics, part of Exact Sciences
Classification: Uncertain significance for TUBGCP2-related condition. Last evaluated: 2025-07-12. Review status: criteria provided, single submitter. Criteria: ACMG Guidelines, 2015. Collection method: clinical testing. Allele origin: germline.
Comment: The TUBGCP2 c.2420C>T variant is predicted to result in the amino acid substitution p.Thr807Met. To our knowledge, this variant has not been reported in the literature. This variant is reported in 0.012% of alleles in individuals of European (Finnish) descent in gnomAD. At this time, the clinical significance of this variant is uncertain due to the absence of conclusive functional and genetic evidence.

NM_006659.4(TUBGCP2):c.2336C>T (p.Thr779Met)

Gene: TUBGCP2 (tubulin gamma complex component 2; minus strand). Cytogenetic location: 10q26.3.
Variant type: single nucleotide variant.
Coding change: c.2336C>T on transcript NM_006659.4 (MANE Select); coding-DNA position 2336, C replaced by T.
Protein change: p.Thr779Met; replaces threonine 779 with methionine.
Molecular consequence: missense variant. On other transcripts: non-coding transcript variant (1).
Genome position (GRCh38, 1-based): chr10:133,282,296, G>A on the plus strand (C>T on the coding strand, the complement: TUBGCP2 is on the minus strand). VCF-style: chr10-133282296-G-A. GRCh37 (hg19) VCF-style: chr10-135095800-G-A.
Other names: c.2420C>T, p.Thr807Met (NM_001256617.2); c.1946C>T, p.Thr649Met (NM_001256618.2); short protein forms T779M, T807M, T649M.
Identifiers: ClinVar variation 4980089 (VCV004980089.1).